The following is an entry in ClinVar:

NM_002226.5(JAG2):c.2093G>C (p.Cys698Ser)

Gene: JAG2 (jagged canonical Notch ligand 2; minus strand). Cytogenetic location: 14q32.33.
Variant type: single nucleotide variant.
Coding change: c.2093G>C on transcript NM_002226.5 (MANE Select); coding-DNA position 2093, G replaced by C.
Protein change: p.Cys698Ser; replaces cysteine 698 with serine.
Molecular consequence: missense variant.
Genome position (GRCh38, 1-based): chr14:105,148,367, C>G on the plus strand (G>C on the coding strand, the complement: JAG2 is on the minus strand). VCF-style: chr14-105148367-C-G. GRCh37 (hg19) VCF-style: chr14-105614704-C-G.
Other names: c.1979G>C, p.Cys660Ser (NM_145159.3); short protein forms C660S, C698S.
Identifiers: ClinVar variation 1308577 (VCV001308577.2), dbSNP rs2140974878, ClinGen allele CA391268018.

ClinVar aggregate classification (germline): Uncertain significance (1 of 4 stars; one submission).

Submission:

GeneDx
Classification: Uncertain significance. Last evaluated: 2019-04-11. Review status: criteria provided, single submitter. Criteria: GeneDx Variant Classification Process June 2021. Collection method: clinical testing. Allele origin: germline. Affected: yes.
Comment: Has not been previously published as pathogenic or benign to our knowledge; Not observed in large population cohorts (Lek et al., 2016); In silico analysis, which includes protein predictors and evolutionary conservation, supports a deleterious effect